The following is an entry in ClinVar:

NM_000416.3(IFNGR1):c.773T>C (p.Phe258Ser)

Gene: IFNGR1 (interferon gamma receptor 1; minus strand). Cytogenetic location: 6q23.3.
Variant type: single nucleotide variant.
Coding change: c.773T>C on transcript NM_000416.3 (MANE Select); coding-DNA position 773, T replaced by C.
Protein change: p.Phe258Ser; replaces phenylalanine 258 with serine.
Molecular consequence: missense variant.
Genome position (GRCh38, 1-based): chr6:137,200,969, A>G on the plus strand (T>C on the coding strand, the complement: IFNGR1 is on the minus strand). VCF-style: chr6-137200969-A-G. GRCh37 (hg19) VCF-style: chr6-137522106-A-G.
Other names: c.743T>C, p.Phe248Ser (NM_001363526.1); c.650T>C, p.Phe217Ser (NM_001363527.1); short protein forms F248S, F217S, F258S.
Identifiers: ClinVar variation 2267200 (VCV002267200.4), dbSNP rs2548230771, ClinGen allele CA365774210.
Genomic context (GRCh38, chr6:137,200,969, plus strand): 5'-TCCTTCAATGGATTAATTTTCTTAATATAAAAACAGATGAATACCAGGCTAAGCACTAGA[A>G]AGAGTAGTAAAGCAGCAACAACTGGAATCCAAAGAGAACCTTAAAAAAGGCAGAAATCAC-3'
Protein context (NP_000407.1, residues 248-268): WIPVVAALLL[Phe258Ser]LVLSLVFICF

ClinVar aggregate classification (germline): Uncertain significance. Review status: criteria provided, multiple submitters, no conflicts (2 of 4 stars). 2 submissions from 2 submitters: Uncertain significance (2). Last evaluated 2024-08-23.

Conditions:
Inborn genetic diseases. Identifiers: MedGen C0950123, MeSH D030342.
Disseminated atypical mycobacterial infection. Identifiers: MedGen C0694566.

gnomAD v4.1: 2 of 1,613,248 alleles (0.00012%); no homozygotes.

Submissions (2):

Labcorp Genetics (formerly Invitae), Labcorp
Classification: Uncertain significance for Disseminated atypical mycobacterial infection. Last evaluated: 2024-08-23. Review status: criteria provided, single submitter. Criteria: Invitae Variant Classification Sherloc (09022015). Collection method: clinical testing. Allele origin: germline.
Comment: This sequence change replaces phenylalanine, which is neutral and non-polar, with serine, which is neutral and polar, at codon 258 of the IFNGR1 protein (p.Phe258Ser). This variant is not present in population databases (gnomAD no frequency). This variant has not been reported in the literature in individuals affected with IFNGR1-related conditions. ClinVar contains an entry for this variant (Variation ID: 2267200). Invitae Evidence Modeling of protein sequence and biophysical properties (such as structural, functional, and spatial information, amino acid conservation, physicochemical variation, residue mobility, and thermodynamic stability) indicates that this missense variant is not expected to disrupt IFNGR1 protein function with a negative predictive value of 80%. In summary, the available evidence is currently insufficient to determine the role of this variant in disease. Therefore, it has been classified as a Variant of Uncertain Significance.

Ambry Genetics
Classification: Uncertain significance for Inborn genetic diseases. Last evaluated: 2021-12-14. Review status: criteria provided, single submitter. Criteria: Ambry Variant Classification Scheme 2023. Collection method: clinical testing. Allele origin: germline.